The following is an entry in ClinVar:

NM_005902.4(SMAD3):c.91dup (p.Cys31fs)

Gene: SMAD3 (SMAD family member 3; plus strand). Cytogenetic location: 15q22.33.
Variant type: Duplication.
Coding change: c.91dup on transcript NM_005902.4 (MANE Select); coding-DNA position 91, one base duplicated (T; older notation c.91dupT).
Protein change: p.Cys31fs; shifts the reading frame from cysteine 31.
Molecular consequence: frameshift variant.
Genome position (GRCh38, 1-based): chr15:67,066,245, T duplicated. VCF-style (leftmost placement, unchanged base first): chr15-67066244-G-GT. GRCh37 (hg19) VCF-style: chr15-67358582-G-GT.
Other names: c.91dup, p.Cys31fs (NM_001407011.1, NM_001407012.1, NM_001407013.1); short protein forms C31fs.
Identifiers: ClinVar variation 3445813 (VCV003445813.1).

ClinVar aggregate classification (germline): Pathogenic (1 of 4 stars; one submission).

Conditions:
Familial thoracic aortic aneurysm and aortic dissection (TAAD). Also called: Thoracic aortic aneurysms and dissections. Identifiers: Orphanet 91387, MedGen C4707243, MONDO:0019625.

Submission:

Ambry Genetics
Classification: Pathogenic for Familial thoracic aortic aneurysm and aortic dissection. Last evaluated: 2024-07-16. Review status: criteria provided, single submitter. Criteria: Ambry Variant Classification Scheme 2023. Collection method: clinical testing. Allele origin: germline.
Comment: The c.91dupT pathogenic mutation, located in coding exon 1 of the SMAD3 gene, results from a duplication of T at nucleotide position 91, causing a translational frameshift with a predicted alternate stop codon (p.C31Lfs*80). This variant has been observed in at least one individual with a personal and/or family history that is consistent with Loeys-Dietz syndrome or thoracic aortic aneurysm and dissection (TAAD) (Ambry internal data). This variant is considered to be rare based on population cohorts in the Genome Aggregation Database (gnomAD). This alteration is expected to result in loss of function by premature protein truncation or nonsense-mediated mRNA decay. As such, this alteration is interpreted as a disease-causing mutation.